The following is an entry in ClinVar:

NM_152618.3(BBS12):c.243T>C (p.Tyr81=)

Gene: BBS12 (Bardet-Biedl syndrome 12; plus strand). Cytogenetic location: 4q27.
Variant type: single nucleotide variant.
Coding change: c.243T>C on transcript NM_152618.3 (MANE Select); coding-DNA position 243, T replaced by C.
Protein change: p.Tyr81=; no amino-acid change (tyrosine 81 retained).
Molecular consequence: synonymous variant.
Genome position (GRCh38, 1-based): chr4:122,742,135, T>C. VCF-style: chr4-122742135-T-C. GRCh37 (hg19) VCF-style: chr4-123663290-T-C.
Other names: c.243T>C, p.Tyr81= (NM_001178007.2).
Identifiers: ClinVar variation 766860 (VCV000766860.11), dbSNP rs772942987, ClinGen allele CA3069265.
Genomic context (GRCh38, chr4:122,742,135, plus strand): 5'-TTTAACCAGTGCAGTGGGACAACTTCTCAATGAAGCAGTTCAAGCACAAAACAACACATA[T>C]AGAACTGGAATCAGTACTCTTTTGTTTCTTGTTGGTGCTTGGAGCAGTGCAGTTGAAGAA-3'
Protein context (NP_689831.2, residues 71-91): NEAVQAQNNT[Tyr81=]RTGISTLLFL

ClinVar aggregate classification (germline): Likely benign. Review status: criteria provided, single submitter (1 of 4 stars). 3 submissions from 3 submitters: Likely benign (1). 2 of the submissions do not count toward it. Last evaluated 2025-11-06.

Conditions:
BBS12-related disorder. Also called: BBS12-related condition.
Bardet-Biedl syndrome (BBS). Identifiers: Orphanet 110, MedGen C0752166, MONDO:0015229.
Bardet-Biedl syndrome 12 (BBS12). Identifiers: Orphanet 110, MedGen C1859570, MONDO:0014440, OMIM 615989.

Allele frequency attached by ClinVar (database versions not stated): gnomAD 0.00001 and 0.00003; TOPMed 0.00002; gnomAD exomes 0.00006; ExAC 0.00007.
gnomAD v4.1: 74 of 1,613,964 alleles (0.0046%); highest among the groups gnomAD compares: South Asian, 0.048%; no homozygotes.

Submissions (3):

Labcorp Genetics (formerly Invitae), Labcorp
Classification: Likely benign for Bardet-Biedl syndrome. Last evaluated: 2025-11-06. Review status: criteria provided, single submitter. Criteria: Invitae Variant Classification Sherloc (09022015). Collection method: clinical testing. Allele origin: germline.

PreventionGenetics, part of Exact Sciences
Classification: Likely benign for BBS12-related condition. Last evaluated: 2024-04-12. Review status: no assertion criteria provided. Collection method: clinical testing. Allele origin: germline. Not counted in ClinVar's aggregate classification.
Comment: This variant is classified as likely benign based on ACMG/AMP sequence variant interpretation guidelines (Richards et al. 2015 PMID: 25741868, with internal and published modifications).

Natera, Inc.
Classification: Likely benign for Bardet-Biedl syndrome type 12. Last evaluated: 2020-05-01. Review status: no assertion criteria provided. Collection method: clinical testing. Allele origin: germline. Not counted in ClinVar's aggregate classification.